The following is an entry in ClinVar:

NM_004380.3(CREBBP):c.6148G>A (p.Gly2050Arg)

Gene: CREBBP (CREB binding lysine acetyltransferase; minus strand). Cytogenetic location: 16p13.3.
Variant type: single nucleotide variant.
Coding change: c.6148G>A on transcript NM_004380.3 (MANE Select); coding-DNA position 6148, G replaced by A.
Protein change: p.Gly2050Arg; replaces glycine 2050 with arginine.
Molecular consequence: missense variant.
Genome position (GRCh38, 1-based): chr16:3,728,899, C>T on the plus strand (G>A on the coding strand, the complement: CREBBP is on the minus strand). VCF-style: chr16-3728899-C-T. GRCh37 (hg19) VCF-style: chr16-3778900-C-T.
Other names: c.6034G>A, p.Gly2012Arg (NM_001079846.1); short protein forms G2012R, G2050R.
Identifiers: ClinVar variation 5002075 (VCV005002075.1).

ClinVar aggregate classification (germline): Uncertain significance (1 of 4 stars; one submission).

Conditions:
CREBBP-related disorder. Also called: CREBBP-related disorders; CREBBP-related condition.

gnomAD v4.1: 2 of 1,608,798 alleles (0.00012%); highest among the groups gnomAD compares: Admixed American, 0.0017%; no homozygotes.

Submission:

PreventionGenetics, part of Exact Sciences
Classification: Uncertain significance for CREBBP-related condition. Last evaluated: 2025-03-18. Review status: criteria provided, single submitter. Criteria: ACMG Guidelines, 2015. Collection method: clinical testing. Allele origin: germline.
Comment: The CREBBP c.6148G>A variant is predicted to result in the amino acid substitution p.Gly2050Arg. To our knowledge, this variant has not been reported in the literature. This variant is reported in 0.0029% of alleles in individuals of Latino descent in gnomAD. At this time, the clinical significance of this variant is uncertain due to the absence of conclusive functional and genetic evidence.